The following is an entry in ClinVar:

ClinVar aggregate classification (germline): Uncertain significance (1 of 4 stars; one submission).

Conditions:
Cardiovascular phenotype. Identifiers: MedGen CN230736.

gnomAD v4.1: 1 of 1,614,234 alleles (0.000062%); highest among the groups gnomAD compares: Non-Finnish European, 0.000085%; no homozygotes.

Submission:

Ambry Genetics
Classification: Uncertain significance for Cardiovascular phenotype. Last evaluated: 2024-08-28. Review status: criteria provided, single submitter. Criteria: Ambry Variant Classification Scheme 2023. Collection method: clinical testing. Allele origin: germline.
Comment: The p.L617F variant (also known as c.1849C>T), located in coding exon 13 of the MYH6 gene, results from a C to T substitution at nucleotide position 1849. The leucine at codon 617 is replaced by phenylalanine, an amino acid with highly similar properties. This amino acid position is conserved. In addition, the in silico prediction for this alteration is inconclusive. Based on the available evidence, the clinical significance of this variant remains unclear.

NM_002471.4(MYH6):c.1849C>T (p.Leu617Phe)

Gene: MYH6 (myosin heavy chain 6; minus strand). Cytogenetic location: 14q11.2.
Variant type: single nucleotide variant.
Coding change: c.1849C>T on transcript NM_002471.4 (MANE Select); coding-DNA position 1849, C replaced by T.
Protein change: p.Leu617Phe; replaces leucine 617 with phenylalanine.
Molecular consequence: missense variant.
Genome position (GRCh38, 1-based): chr14:23,398,770, G>A on the plus strand (C>T on the coding strand, the complement: MYH6 is on the minus strand). VCF-style: chr14-23398770-G-A. GRCh37 (hg19) VCF-style: chr14-23867979-G-A.
Other names: short protein forms L617F.
Identifiers: ClinVar variation 3400844 (VCV003400844.1).